The following is an entry in ClinVar:

ClinVar aggregate classification (germline): Uncertain significance (1 of 4 stars; one submission).

Allele frequency attached by ClinVar (database versions not stated): ExAC 0.00001; gnomAD 0.00001; TOPMed 0.00002; gnomAD exomes 0.00003; ESP Exome Variant Server 0.00008.
gnomAD v4.1: 51 of 1,611,392 alleles (0.0032%); highest among the groups gnomAD compares: Non-Finnish European, 0.0041%; no homozygotes.

Submission:

Labcorp Genetics (formerly Invitae), Labcorp
Classification: Uncertain significance. Last evaluated: 2024-07-24. Review status: criteria provided, single submitter. Criteria: Invitae Variant Classification Sherloc (09022015). Collection method: clinical testing. Allele origin: germline.
Comment: This sequence change replaces tyrosine, which is neutral and polar, with cysteine, which is neutral and slightly polar, at codon 550 of the TNFRSF11A protein (p.Tyr550Cys). This variant is present in population databases (rs375508363, gnomAD 0.004%). This variant has not been reported in the literature in individuals affected with TNFRSF11A-related conditions. ClinVar contains an entry for this variant (Variation ID: 2154883). An algorithm developed to predict the effect of missense changes on protein structure and function (PolyPhen-2) suggests that this variant is likely to be disruptive. In summary, the available evidence is currently insufficient to determine the role of this variant in disease. Therefore, it has been classified as a Variant of Uncertain Significance.

NM_003839.4(TNFRSF11A):c.1649A>G (p.Tyr550Cys)

Gene: TNFRSF11A (TNF receptor superfamily member 11a; plus strand). Cytogenetic location: 18q21.33.
Variant type: single nucleotide variant.
Coding change: c.1649A>G on transcript NM_003839.4 (MANE Select); coding-DNA position 1649, A replaced by G.
Protein change: p.Tyr550Cys; replaces tyrosine 550 with cysteine.
Molecular consequence: missense variant. On other transcripts: 3 prime UTR variant (1).
Genome position (GRCh38, 1-based): chr18:62,384,832, A>G. VCF-style: chr18-62384832-A-G. GRCh37 (hg19) VCF-style: chr18-60052065-A-G.
Other names: c.*73A>G (NM_001270949.2); c.812A>G, p.Tyr271Cys (NM_001270950.2); c.698A>G, p.Tyr233Cys (NM_001270951.2); c.1607A>G, p.Tyr536Cys (NM_001278268.2); short protein forms Y271C, Y233C, Y536C, Y550C.
Identifiers: ClinVar variation 2154883 (VCV002154883.4), dbSNP rs375508363, ClinGen allele CA8984016.
Genomic context (GRCh38, chr18:62,384,832, plus strand): 5'-ACTCCACGTTCATCTCCAGCGGGCAGGTGATGAACTTCAAGGGCGACATCATCGTGGTCT[A>G]CGTCAGCCAGACCTCGCAGGAGGGCGCGGCGGCGGCTGCGGAGCCCATGGGCCGCCCGGT-3'
Protein context (NP_003830.1, residues 540-560): MNFKGDIIVV[Tyr550Cys]VSQTSQEGAA